The following is an entry in ClinVar:

ClinVar aggregate classification (germline): Pathogenic/Likely pathogenic. Review status: criteria provided, multiple submitters, no conflicts (2 of 4 stars). 44 submissions from 43 submitters: Pathogenic (36); Likely pathogenic (1). 7 of the submissions do not count toward it. Last evaluated 2026-08-18.

Conditions:
Rare genetic intellectual disability. Identifiers: Orphanet 183757, MedGen C5680527.
Global developmental delay (DD). Also called: Cognitive delay. Identifiers: MedGen C0557874, HP:0001263. Disease mechanism: loss of function.
KBG syndrome (KBGS). Also called: ANKRD11-Related KBG Syndrome. Identifiers: Orphanet 2332, MedGen C0220687, MONDO:0007846, OMIM 148050.
Ptosis. Also called: Ptosis (disease). Identifiers: MedGen C0005745, MONDO:0000728, HP:0000508.
Unilateral cryptorchidism. Identifiers: MedGen C0431664, HP:0012741.
Intellectual disability. Also called: Intellectual functioning disability; Intellectual developmental disorder; intellectual disabilities. Identifiers: MedGen C3714756, MeSH D008607, MONDO:0001071, HP:0001249.
Short palm. Identifiers: MedGen C1843108, HP:0004279.
Short foot. Identifiers: MedGen C1848673, HP:0001773.
Clinodactyly of the 5th finger. Identifiers: MedGen C1850049, HP:0004209.
Conductive hearing impairment. Also called: Conductive hearing loss disorder. Identifiers: MedGen C0018777, MONDO:0020679, HP:0000405.
ANKRD11-related disorder. Also called: ANKRD11-related condition.
Inborn genetic diseases. Identifiers: MedGen C0950123, MeSH D030342.
Neurodevelopmental delay. Identifiers: MedGen C4022738, HP:0012758.
Seizure. Also called: Seizures. Identifiers: MedGen C0036572, HP:0001250.
Abnormal facial shape. Also called: Dysmorphic facial features; Dysmorphic facies. Identifiers: MedGen C0424503, HP:0001999.
Delayed speech and language development. Also called: Language delay. Identifiers: MedGen C0454644, HP:0000750.

Submissions 1 to 11 of 44:

Medical Genetics Center, Maternal and Child Health Hospital of Hubei Province
Classification: Pathogenic for KBG syndrome. Last evaluated: 2026-08-18. Review status: criteria provided, single submitter. Criteria: ACMG Guidelines, 2015. Collection method: clinical testing. Allele origin: de novo. Affected: yes.
Comment: PVS1+PS2_VeryStrong+PS4+PP1 +PM2_Supporting

CeGaT Center for Human Genetics Tuebingen
Classification: Pathogenic. Last evaluated: 2026-08-01. Review status: criteria provided, single submitter. Criteria: CeGaT Center For Human Genetics Tuebingen Variant Classification Criteria Version 2. Collection method: clinical testing. Allele origin: germline. Affected: yes. Observed: 7 variant alleles.
Comment: ANKRD11: PVS1, PS4, PM2

Umrani?ye Training and Research Hospital
Classification: Pathogenic for KBG syndrome. Last evaluated: 2026-07-05. Review status: criteria provided, single submitter. Criteria: ACMG Guidelines, 2015. Collection method: clinical testing. Allele origin: germline. Inheritance: Autosomal dominant inheritance. Affected: yes.
Comment: PVS1, PM2

Dasa
Classification: Pathogenic. Last evaluated: 2026-01-17. Review status: criteria provided, single submitter. Criteria: DASA Assertion Criteria. Collection method: clinical testing. Allele origin: germline.
Comment: NM_013275.6(ANKRD11):c.1903_1907del (p.Lys635Glnfs*26) is a frameshift variant in ANKRD11 predicted to alter the reading frame and introduce a premature termination codon and is predicted to result in an absent or altered protein product. Loss of function is an established disease mechanism for ANKRD11 (PMID: 21782149; PMID: 35330407; PMID: 28422132). This variant has been reported in individuals with ANKRD11-related disorders (PMID: 27667800). This variant has been reported as a de novo occurrence in an affected individual (PMID: 27667800). Also, this variant is rare in population databases. Based on the currently available evidence, this variant is classified as pathogenic.

Variantyx, Inc.
Classification: Pathogenic for KBG syndrome. Last evaluated: 2026-01-15. Review status: criteria provided, single submitter. Criteria: Variantyx Assertion Criteria 2022. Collection method: clinical testing. Allele origin: germline. Inheritance: Autosomal dominant inheritance. Affected: yes.
Comment: This is a frameshift variant in the ANKRD11 gene (OMIM: 611192). Pathogenic variants in this gene have been associated with autosomal dominant KBG syndrome. This variant introduces a premature termination codon in exon 9 out of 13 and is expected to result in loss of function, which is a known disease mechanism for ANKRD11 in this disorder (PMID: 21782149, 25125236, 25413698, 25652421) (PVS1). This variant has been reported in a heterozygous state in several affected individuals (PMID: 25413698, 25833229) (PS4). It has a 0.0002% maximum allele frequency in non-founder control populations (PM2). Based on the current evidence, this variant is classified as pathogenic for autosomal dominant KBG syndrome.

3billion
Classification: Pathogenic for KBG syndrome. Last evaluated: 2025-11-21. Review status: criteria provided, single submitter. Criteria: ACMG Guidelines, 2015. Collection method: clinical testing. Allele origin: germline. Affected: yes.
Comment: The variant is observed at an extremely low frequency in the gnomAD v4.1.0 dataset (total allele frequency: <0.001%). Predicted Consequence/Location: Frameshift: predicted to result in a loss or disruption of normal protein function through nonsense-mediated decay (NMD) or protein truncation. Multiple pathogenic variants are reported downstream of the variant. The variant has been reported at least twice as pathogenic with clinical assertions and evidence for the classification (ClinVar ID: VCV000279678 /PMID: 25413698 /3billion dataset). Therefore, this variant is classified as Pathogenic according to the recommendation of ACMG/AMP guideline.

Labcorp Genetics (formerly Invitae), Labcorp
Classification: Pathogenic for KBG syndrome. Last evaluated: 2025-11-10. Review status: criteria provided, single submitter. Criteria: Invitae Variant Classification Sherloc (09022015). Collection method: clinical testing. Allele origin: germline.
Comment: This sequence change creates a premature translational stop signal (p.Lys635Glnfs*26) in the ANKRD11 gene. It is expected to result in an absent or disrupted protein product. Loss-of-function variants in ANKRD11 are known to be pathogenic (PMID: 21782149, 25125236, 25413698, 25652421). This variant is not present in population databases (gnomAD no frequency). This premature translational stop signal has been observed in individual(s) with KBG syndrome (PMID: 25533962, 25833229, 27605097, 27667800, 28250421, 28449295; internal data). In at least one individual the variant was observed to be de novo. It has also been observed to segregate with disease in related individuals. ClinVar contains an entry for this variant (Variation ID: 279678). For these reasons, this variant has been classified as Pathogenic.

Rady Children's Institute for Genomic Medicine, Rady Children's Hospital San Diego
Classification: Pathogenic for KBG syndrome. Last evaluated: 2025-11-06. Review status: criteria provided, single submitter. Criteria: ACMG Guidelines, 2015. Collection method: clinical testing. Allele origin: germline. Affected: yes.
Comment: This frameshifting variant in exon 9 of 13 is predicted to result in loss of normal protein function through either protein truncation or nonsense-mediated mRNA decay. The ANKRD11 gene is constrained against loss-of-function variation (pLI = 1), and loss-of-function variants have been reported in individuals with disease (HGMD; ClinVar database Variation ID: 279678; PMID: 29565525). This variant has been previously reported as a heterozygous familial and de novo change in patients with KBG syndrome (PMID: 27667800, 28449295, 27605097, 25533962, 28250421). The c.1903_1907del (p.Lys635GlnfsTer26) variant is present in the latest version of the gnomAD population database at an allele frequency of 0.0001% (2/1613938) and thus is presumed to be rare. Based on the available evidence, the c.1903_1907del (p.Lys635GlnfsTer26) variant is classified as Pathogenic.

Institute of Human Genetics, University of Leipzig Medical Center
Classification: Pathogenic for KBG syndrome. Last evaluated: 2025-10-28. Review status: criteria provided, single submitter. Criteria: ACMG Guidelines, 2015. Collection method: clinical testing. Allele origin: de novo. Inheritance: Autosomal dominant inheritance. Affected: yes.
Comment: Criteria applied: PS2_VSTR,PS4,PVS1

Clinical Genetics Laboratory, University Hospital Schleswig-Holstein
Classification: Pathogenic for KBG syndrome. Last evaluated: 2025-10-15. Review status: criteria provided, single submitter. Criteria: ACMG Guidelines, 2015. Collection method: clinical testing. Allele origin: germline. Affected: yes. Observed: 2 heterozygotes.
Comment: ACMG criteria applied: PM2, PS4, PVS1, PS2_VeryStrong, PP1

Ambry Genetics
Classification: Pathogenic for Inborn genetic diseases. Last evaluated: 2025-05-19. Review status: criteria provided, single submitter. Criteria: Ambry Variant Classification Scheme 2023. Collection method: clinical testing. Allele origin: germline.
Comment: The c.1903_1907delAAACA (p.K635Qfs*26) alteration, located in exon 9 (coding exon 7) of the ANKRD11 gene, consists of a deletion of 5 nucleotides from position 1903 to 1907, causing a translational frameshift with a predicted alternate stop codon after 26 amino acids. This alteration is expected to result in loss of function by premature protein truncation or nonsense-mediated mRNA decay. This variant was not reported in population-based cohorts in the Genome Aggregation Database (gnomAD). This variant was determined to be de novo in at least one individual with features consistent with KBG syndrome (Walz, 2015; Reynaert, 2015; Ockeloen, 2015; Goldenberg, 2016; Low, 2016; Miyatake, 2017; Murray, 2017). Based on the available evidence, this alteration is classified as pathogenic.

NM_013275.6(ANKRD11):c.1903_1907del (p.Lys635fs)

Gene: ANKRD11 (ankyrin repeat domain 11; minus strand). Cytogenetic location: 16q24.3.
Variant type: Microsatellite.
Coding change: c.1903_1907del on transcript NM_013275.6 (MANE Select); coding-DNA positions 1903 to 1907, 5 bases deleted (AAACA; older notation c.1903_1907delAAACA).
Protein change: p.Lys635fs; shifts the reading frame from lysine 635.
Molecular consequence: frameshift variant.
Genome position (GRCh38, 1-based): chr16:89,284,635-89,284,639, TGTTT deleted on the plus strand (AAACA on the coding strand, the reverse complement: ANKRD11 is on the minus strand); deleting any 5 consecutive bases within chr16:89,284,635-89,284,645 gives the same sequence; the c. name uses the placement nearest the transcript's 3' end. VCF-style (leftmost placement, unchanged base first): chr16-89284634-GTGTTT-G. GRCh37 (hg19) VCF-style: chr16-89351042-GTGTTT-G.
Other names: NP_037407.4:p.(Lys635GlnfsTer26); c.1903_1907delAAACA (NM_013275.6, NM_001256182.2, NM_001256183.1); c.1903_1907del, p.Lys635fs (NM_001256182.2, NM_001256183.2); c.1903_1907del5 (NM_013275.5); c.1903_1907del (NM_013275.4); short protein forms K635fs.
Identifiers: ClinVar variation 279678 (VCV000279678.104), dbSNP rs886041125, ClinGen allele CA10603358.